The following is an entry in ClinVar:

ClinVar aggregate classification (germline): Uncertain significance (1 of 4 stars; one submission).

Submission:

Dasa
Classification: Uncertain significance. Last evaluated: 2026-03-05. Review status: criteria provided, single submitter. Criteria: DASA Assertion Criteria. Collection method: clinical testing. Allele origin: germline.
Comment: NM_001379451.1(BCORL1):c.2212C>T (p.Leu738Phe) is a missense variant that results in the substitution of leucine with phenylalanine. This variant is rare in population databases. Computational prediction algorithms are consistent with a benign effect. The currently available literature and clinical evidence are not sufficient to establish a definitive association between this variant and the reported condition. Therefore, this variant is classified as a variant of uncertain significance.

NM_001379451.1(BCORL1):c.2212C>T (p.Leu738Phe)

Gene: BCORL1 (BCL6 corepressor like 1; plus strand). Cytogenetic location: Xq26.1.
Variant type: single nucleotide variant.
Coding change: c.2212C>T on transcript NM_001379451.1 (MANE Select); coding-DNA position 2212, C replaced by T.
Protein change: p.Leu738Phe; replaces leucine 738 with phenylalanine.
Molecular consequence: missense variant.
Genome position (GRCh38, 1-based): chrX:130,014,984, C>T. VCF-style: chrX-130014984-C-T. GRCh37 (hg19) VCF-style: chrX-129148960-C-T.
Other names: c.2212C>T, p.Leu738Phe (NM_001184772.3, NM_001379450.1, NM_001441326.1 and 7 more transcripts); short protein forms L738F.
Identifiers: ClinVar variation 4885482 (VCV004885482.2).